The following is an entry in ClinVar:

ClinVar aggregate classification (germline): Uncertain significance. Review status: criteria provided, single submitter (1 of 4 stars). 2 submissions from 2 submitters: Uncertain significance (1). 1 of the submissions does not count toward it. Last evaluated 2025-04-07.

Conditions:
GLUD1-related disorder. Also called: GLUD1-related condition.
Hyperinsulinism-hyperammonemia syndrome (HHF6). Identifiers: Orphanet 35878, MedGen C1847555, MONDO:0011717, OMIM 606762.

Allele frequency attached by ClinVar (database versions not stated): ExAC 0.00002; gnomAD exomes 0.00003; TOPMed 0.00003; gnomAD 0.00004; 1000 Genomes Project 30x 0.00016; 1000 Genomes Project 0.00020.
gnomAD v4.1: 58 of 1,614,178 alleles (0.0036%); highest among the groups gnomAD compares: Middle Eastern, 0.05%; no homozygotes.

Submissions (2):

Labcorp Genetics (formerly Invitae), Labcorp
Classification: Uncertain significance for Hyperinsulinism-hyperammonemia syndrome. Last evaluated: 2025-04-07. Review status: criteria provided, single submitter. Criteria: Invitae Variant Classification Sherloc (09022015). Collection method: clinical testing. Allele origin: germline.
Comment: This sequence change replaces asparagine, which is neutral and polar, with serine, which is neutral and polar, at codon 392 of the GLUD1 protein (p.Asn392Ser). This variant is present in population databases (rs200813784, gnomAD 0.004%). This variant has not been reported in the literature in individuals affected with GLUD1-related conditions. ClinVar contains an entry for this variant (Variation ID: 2916188). Invitae Evidence Modeling of protein sequence and biophysical properties (such as structural, functional, and spatial information, amino acid conservation, physicochemical variation, residue mobility, and thermodynamic stability) has been performed for this missense variant. However, the output from this modeling did not meet the statistical confidence thresholds required to predict the impact of this variant on GLUD1 protein function. In summary, the available evidence is currently insufficient to determine the role of this variant in disease. Therefore, it has been classified as a Variant of Uncertain Significance.

PreventionGenetics, part of Exact Sciences
Classification: Uncertain significance for GLUD1-related condition. Last evaluated: 2024-08-14. Review status: no assertion criteria provided. Collection method: clinical testing. Allele origin: germline. Not counted in ClinVar's aggregate classification.
Comment: The GLUD1 c.1175A>G variant is predicted to result in the amino acid substitution p.Asn392Ser. To our knowledge, this variant has not been reported in the literature. This variant is reported in 0.0096% of alleles in individuals of Ashkenazi Jewish descent in gnomAD. At this time, the clinical significance of this variant is uncertain due to the absence of conclusive functional and genetic evidence.

NM_005271.5(GLUD1):c.1175A>G (p.Asn392Ser)

Gene: GLUD1 (glutamate dehydrogenase 1; minus strand). Cytogenetic location: 10q23.2.
Variant type: single nucleotide variant.
Coding change: c.1175A>G on transcript NM_005271.5 (MANE Select); coding-DNA position 1175, A replaced by G.
Protein change: p.Asn392Ser; replaces asparagine 392 with serine.
Molecular consequence: missense variant.
Genome position (GRCh38, 1-based): chr10:87,060,710, T>C on the plus strand (A>G on the coding strand, the complement: GLUD1 is on the minus strand). VCF-style: chr10-87060710-T-C. GRCh37 (hg19) VCF-style: chr10-88820467-T-C.
Other names: c.1175A>G (NM_005271.4); c.776A>G, p.Asn259Ser (NM_001318900.1); c.674A>G, p.Asn225Ser (NM_001318901.1, NM_001318902.1, NM_001318904.2 and 2 more transcripts); short protein forms N392S, N225S, N259S.
Identifiers: ClinVar variation 2916188 (VCV002916188.4), dbSNP rs200813784, ClinGen allele CA5587509.
Genomic context (GRCh38, chr10:87,060,710, plus strand): 5'-ATTGATAATGTTGGTTCTGGTTTCTATAATGTTGTCACCTTGGCTTTGACTCTGGGTGCG[T>C]TGGATTTGGTCAACTGCTTCTCACTGGCAGCTGGGATCAGTATGTCACAGTCGGCCTCCA-3'
Protein context (NP_005262.1, residues 382-402): AASEKQLTKS[Asn392Ser]APRVKAKIIA